The following is an entry in ClinVar:

ClinVar aggregate classification (germline): Uncertain significance (1 of 4 stars; one submission).

Allele frequency attached by ClinVar (database versions not stated): gnomAD exomes below 0.00001.
gnomAD v4.1: 1 of 1,613,190 alleles (0.000062%); highest among the groups gnomAD compares: Non-Finnish European, 0.000085%; no homozygotes.

Submission:

Ambry Genetics
Classification: Uncertain significance. Last evaluated: 2023-01-26. Review status: criteria provided, single submitter. Criteria: Ambry Variant Classification Scheme 2023. Collection method: clinical testing. Allele origin: germline.
Comment: The p.S717F variant (also known as c.2150C>T), located in coding exon 14 of the RINT1 gene, results from a C to T substitution at nucleotide position 2150. The serine at codon 717 is replaced by phenylalanine, an amino acid with highly dissimilar properties. This amino acid position is conserved. In addition, the in silico prediction for this alteration is inconclusive. Since supporting evidence is limited at this time, the clinical significance of this alteration remains unclear.

NM_021930.6(RINT1):c.2150C>T (p.Ser717Phe)

Genes: EFCAB10 (EF-hand calcium binding domain 10; minus strand), RINT1 (RAD50 interactor 1; plus strand). Cytogenetic location: 7q22.3.
Variant type: single nucleotide variant.
Coding change: c.2150C>T on transcript NM_021930.6 (MANE Select); coding-DNA position 2150, C replaced by T.
Protein change: p.Ser717Phe; replaces serine 717 with phenylalanine.
Molecular consequence: missense variant. On other transcripts: synonymous variant (1), non-coding transcript variant (1), intron variant (2).
Genome position (GRCh38, 1-based): chr7:105,565,612, C>T. VCF-style: chr7-105565612-C-T. GRCh37 (hg19) VCF-style: chr7-105206059-C-T.
Other names: c.387G>A, p.Glu129= (NM_001355530.2); c.1916C>T, p.Ser639Phe (NM_001346599.2); c.1127C>T, p.Ser376Phe (NM_001346600.2, NM_001346603.2); c.1226C>T, p.Ser409Phe (NM_001346601.2); c.360-165G>A (NM_001355531.2); c.384-165G>A (NM_001355526.2); short protein forms S717F, S639F, S376F, S409F.
Identifiers: ClinVar variation 2448418 (VCV002448418.2), dbSNP rs2485187184, ClinGen allele CA368815251.